The following is an entry in ClinVar:

ClinVar aggregate classification (germline): Uncertain significance. Review status: criteria provided, multiple submitters, no conflicts (2 of 4 stars). 2 submissions from 2 submitters: Uncertain significance (2). Last evaluated 2022-04-03.

Conditions:
Neutral lipid storage myopathy (NLSDM). Also called: NEUTRAL LIPID STORAGE DISEASE WITHOUT ICHTHYOSIS. Identifiers: Orphanet 98908, MedGen C1853136, MONDO:0012545, OMIM 610717.

Allele frequency attached by ClinVar (database versions not stated): gnomAD 0.00001; TOPMed 0.00002.
gnomAD v4.1: 13 of 1,596,992 alleles (0.00081%); highest among the groups gnomAD compares: African/African-American, 0.0027%; no homozygotes.

Submissions (2):

Labcorp Genetics (formerly Invitae), Labcorp
Classification: Uncertain significance for Neutral lipid storage myopathy. Last evaluated: 2022-04-03. Review status: criteria provided, single submitter. Criteria: Invitae Variant Classification Sherloc (09022015). Collection method: clinical testing. Allele origin: germline.
Comment: This sequence change replaces leucine, which is neutral and non-polar, with arginine, which is basic and polar, at codon 443 of the PNPLA2 protein (p.Leu443Arg). This variant is present in population databases (rs568660338, gnomAD 0.003%). This variant has not been reported in the literature in individuals affected with PNPLA2-related conditions. ClinVar contains an entry for this variant (Variation ID: 856333). Algorithms developed to predict the effect of missense changes on protein structure and function are either unavailable or do not agree on the potential impact of this missense change (SIFT: "Deleterious"; PolyPhen-2: "Probably Damaging"; Align-GVGD: "Class C0"). In summary, the available evidence is currently insufficient to determine the role of this variant in disease. Therefore, it has been classified as a Variant of Uncertain Significance.

Revvity Omics, Revvity
Classification: Uncertain significance for Neutral lipid storage myopathy. Last evaluated: 2019-11-20. Review status: criteria provided, single submitter. Criteria: ACMG Guidelines, 2015. Collection method: clinical testing. Allele origin: germline.

NM_020376.4(PNPLA2):c.1328T>G (p.Leu443Arg)

Gene: PNPLA2 (patatin like domain 2, triacylglycerol lipase; plus strand). Cytogenetic location: 11p15.5.
Variant type: single nucleotide variant.
Coding change: c.1328T>G on transcript NM_020376.4 (MANE Select); coding-DNA position 1328, T replaced by G.
Protein change: p.Leu443Arg; replaces leucine 443 with arginine.
Molecular consequence: missense variant.
Genome position (GRCh38, 1-based): chr11:824,675, T>G. VCF-style: chr11-824675-T-G. GRCh37 (hg19) VCF-style: chr11-824675-T-G.
Other names: short protein forms L443R.
Identifiers: ClinVar variation 856333 (VCV000856333.9), dbSNP rs568660338, ClinGen allele CA5791371.
Genomic context (GRCh38, chr11:824,675, plus strand): 5'-TGCGCAACAACCTCTCGCTGGGGGACGCGCTGGCCAAGTGGGAGGAGTGCCAGCGCCAGC[T>G]GCTGCTCGGCCTCTTCTGCACCAACGTGGCCTTCCCGCCCGAAGCTCTGCGCATGCGCGC-3'
Protein context (NP_065109.1, residues 433-453): LAKWEECQRQ[Leu443Arg]LLGLFCTNVA